The following is an entry in ClinVar:

ClinVar aggregate classification (germline): Uncertain significance (1 of 4 stars; one submission).

Conditions:
Long QT syndrome (LQTS). Identifiers: MedGen C0023976, MeSH D008133, MONDO:0002442. Disease mechanism: loss of function. Inheritance: Various modes of inheritance.

gnomAD v4.1: 4 of 1,596,422 alleles (0.00025%); highest among the groups gnomAD compares: Non-Finnish European, 0.00034%; no homozygotes.

Submission:

Labcorp Genetics (formerly Invitae), Labcorp
Classification: Uncertain significance for Long QT syndrome. Last evaluated: 2025-05-12. Review status: criteria provided, single submitter. Criteria: Invitae Variant Classification Sherloc (09022015). Collection method: clinical testing. Allele origin: germline.
Comment: This sequence change affects a donor splice site in intron 7 of the AKAP9 gene. It is expected to disrupt RNA splicing. Variants that disrupt the donor or acceptor splice site typically lead to a loss of protein function (PMID: 16199547), however the current clinical and genetic evidence is not sufficient to establish whether loss-of-function variants in AKAP9 cause disease. This variant is present in population databases (no rsID available, gnomAD 0.007%). This variant has not been reported in the literature in individuals affected with AKAP9-related conditions. Experimental studies and prediction algorithms are not available or were not evaluated, and the functional significance of this variant is currently unknown. Algorithms developed to predict the effect of sequence changes on RNA splicing suggest that this variant may disrupt the consensus splice site. In summary, the available evidence is currently insufficient to determine the role of this variant in disease. Therefore, it has been classified as a Variant of Uncertain Significance.

Literature cited by the submitters: PubMed 16199547.

NM_005751.5(AKAP9):c.930+1G>A

Gene: AKAP9 (A-kinase anchoring protein 9; plus strand). Cytogenetic location: 7q21.2.
Variant type: single nucleotide variant.
Coding change: c.930+1G>A on transcript NM_005751.5 (MANE Select); the canonical splice donor site of the intron after coding-DNA position 930, G replaced by A.
Molecular consequence: splice donor variant.
Genome position (GRCh38, 1-based): chr7:91,995,801, G>A. VCF-style: chr7-91995801-G-A. GRCh37 (hg19) VCF-style: chr7-91625115-G-A.
Other names: c.930+1G>A (NM_147185.3).
Identifiers: ClinVar variation 4704549 (VCV004704549.1).
Genomic context (GRCh38, chr7:91,995,801, plus strand): 5'-AAAGAAGACTTCACAATGCAAATTAGTTTCTTGCAAGAGAAAATTAAAGTATATGAAATG[G>A]TATGTTTATTTTAAGGAAGTCAGCTAACTTGTAGAAGCTTTAGAGTTTCAAGTTTTTTAT-3'